The following is an entry in ClinVar:

NM_001377.3(DYNC2H1):c.10373T>C (p.Ile3458Thr)

Gene: DYNC2H1 (dynein cytoplasmic 2 heavy chain 1; plus strand). Cytogenetic location: 11q22.3.
Variant type: single nucleotide variant.
Coding change: c.10373T>C on transcript NM_001377.3 (MANE Select); coding-DNA position 10373, T replaced by C.
Protein change: p.Ile3458Thr; replaces isoleucine 3458 with threonine.
Molecular consequence: missense variant.
Genome position (GRCh38, 1-based): chr11:103,256,152, T>C. VCF-style: chr11-103256152-T-C. GRCh37 (hg19) VCF-style: chr11-103126881-T-C.
Other names: c.10394T>C (NM_001080463.1); c.10394T>C, p.Ile3465Thr (NM_001080463.2); short protein forms I3465T, I3458T.
Identifiers: ClinVar variation 4781098 (VCV004781098.2).

ClinVar aggregate classification (germline): Uncertain significance. Review status: criteria provided, multiple submitters, no conflicts (2 of 4 stars). 2 submissions from 2 submitters: Uncertain significance (2). Last evaluated 2025-12-16.

Conditions:
Jeune thoracic dystrophy. Also called: Short-rib thoracic dysplasia; Jeune syndrome; Infantile thoracic dystrophy; Thoracic pelvic phalangeal dystrophy; Jeune's syndrome; Chondroectodermal dysplasia-like syndrome. Identifiers: Orphanet 474, MedGen C0265275, MONDO:0018770.
Inborn genetic diseases. Identifiers: MedGen C0950123, MeSH D030342.

gnomAD v4.1: 2 of 1,608,458 alleles (0.00012%); highest among the groups gnomAD compares: African/African-American, 0.0013%; no homozygotes.

Submissions (2):

Ambry Genetics
Classification: Uncertain significance for Inborn genetic diseases. Last evaluated: 2025-12-16. Review status: criteria provided, single submitter. Criteria: Ambry Variant Classification Scheme 2023. Collection method: clinical testing. Allele origin: germline.

Labcorp Genetics (formerly Invitae), Labcorp
Classification: Uncertain significance for Jeune thoracic dystrophy. Last evaluated: 2025-11-12. Review status: criteria provided, single submitter. Criteria: Invitae Variant Classification Sherloc (09022015). Collection method: clinical testing. Allele origin: germline.
Comment: This sequence change replaces isoleucine, which is neutral and non-polar, with threonine, which is neutral and polar, at codon 3465 of the DYNC2H1 protein (p.Ile3465Thr). This variant is not present in population databases (gnomAD no frequency). This variant has not been reported in the literature in individuals affected with DYNC2H1-related conditions. Invitae Evidence Modeling of protein sequence and biophysical properties (such as structural, functional, and spatial information, amino acid conservation, physicochemical variation, residue mobility, and thermodynamic stability) indicates that this missense variant is expected to disrupt DYNC2H1 protein function with a positive predictive value of 95%. In summary, the available evidence is currently insufficient to determine the role of this variant in disease. Therefore, it has been classified as a Variant of Uncertain Significance.